The following is an entry in ClinVar:

ClinVar aggregate classification (germline): Conflicting classifications of pathogenicity. Review status: criteria provided, conflicting classifications (1 of 4 stars). 6 submissions from 6 submitters: Uncertain significance (4); Likely benign (1). 1 of the submissions does not count toward it. Last evaluated 2025-09-11.

Conditions:
Retinal dystrophy. Also called: Inherited retinal dystrophy. Identifiers: Orphanet 71862, MedGen C0854723, MeSH D058499, MONDO:0019118, HP:0000556.

Allele frequency attached by ClinVar (database versions not stated): ESP Exome Variant Server 0.00008; gnomAD exomes 0.00016 and 0.00022; 1000 Genomes Project 0.00020; gnomAD 0.00021 and 0.00025; TOPMed 0.00021; ExAC 0.00023; 1000 Genomes Project 30x 0.00031.
gnomAD v4.1: 296 of 1,613,984 alleles (0.018%); highest among the groups gnomAD compares: Middle Eastern, 0.68%; 2 homozygotes.

Submissions (6):

Ambry Genetics
Classification: Uncertain significance. Last evaluated: 2025-09-11. Review status: criteria provided, single submitter. Criteria: Ambry Variant Classification Scheme 2023. Collection method: clinical testing. Allele origin: germline.

Blueprint Genetics
Classification: Likely benign. Last evaluated: 2024-10-24. Review status: criteria provided, single submitter. Criteria: ACMG Guidelines, 2015. Collection method: clinical testing. Allele origin: germline.

Labcorp Genetics (formerly Invitae), Labcorp
Classification: Uncertain significance. Last evaluated: 2024-08-05. Review status: criteria provided, single submitter. Criteria: Invitae Variant Classification Sherloc (09022015). Collection method: clinical testing. Allele origin: germline.
Comment: This sequence change replaces aspartic acid, which is acidic and polar, with tyrosine, which is neutral and polar, at codon 163 of the DHX38 protein (p.Asp163Tyr). This variant is present in population databases (rs201640902, gnomAD 0.03%). This variant has not been reported in the literature in individuals affected with DHX38-related conditions. ClinVar contains an entry for this variant (Variation ID: 949936). An algorithm developed to predict the effect of missense changes on protein structure and function (PolyPhen-2) suggests that this variant¬†is likely to be tolerated. In summary, the available evidence is currently insufficient to determine the role of this variant in disease. Therefore, it has been classified as a Variant of Uncertain Significance.

CeGaT Center for Human Genetics Tuebingen
Classification: Uncertain significance. Last evaluated: 2022-08-01. Review status: criteria provided, single submitter. Criteria: CeGaT Center For Human Genetics Tuebingen Variant Classification Criteria Version 2. Collection method: clinical testing. Allele origin: germline. Affected: yes. Observed: 1 variant allele.

Breakthrough Genomics
Classification: Uncertain significance. Review status: criteria provided, single submitter. Criteria: ACMG Guidelines, 2015. Collection method: not provided. Allele origin: germline. Inheritance: Autosomal recessive inheritance. Affected: yes.

Institute of Human Genetics, Univ. Regensburg, Univ. Regensburg
Classification: Uncertain significance for Retinal dystrophy. Last evaluated: 2023-01-01. Review status: no assertion criteria provided. Criteria: ACMG Guidelines, 2015. Collection method: clinical testing. Allele origin: germline. Affected: yes. Not counted in ClinVar's aggregate classification.

NM_014003.4(DHX38):c.487G>T (p.Asp163Tyr)

Gene: DHX38 (DEAH-box helicase 38; plus strand). Cytogenetic location: 16q22.2.
Variant type: single nucleotide variant.
Coding change: c.487G>T on transcript NM_014003.4 (MANE Select); coding-DNA position 487, G replaced by T.
Protein change: p.Asp163Tyr; replaces aspartic acid 163 with tyrosine.
Molecular consequence: missense variant.
Genome position (GRCh38, 1-based): chr16:72,096,985, G>T. VCF-style: chr16-72096985-G-T. GRCh37 (hg19) VCF-style: chr16-72130884-G-T.
Other names: short protein forms D163Y.
Identifiers: ClinVar variation 949936 (VCV000949936.41), dbSNP rs201640902, ClinGen allele CA8159979.
Genomic context (GRCh38, chr16:72,096,985, plus strand): 5'-GGTGTCTATGCCTCGTCCAAAGAAGAAAAGGATTGGAAGAAGGAGAAATCGCGGGATCGA[G>T]ACTATGACCGCAAGAGGGACAGAGGTAAACTGTCCAGCACAGTTCCTATTGTCCATTAGC-3'
Protein context (NP_054722.2, residues 153-173): DWKKEKSRDR[Asp163Tyr]YDRKRDRDER